The following is an entry in ClinVar:

NM_023915.4(GPR87):c.35-17C>T

Genes: GPR87 (G protein-coupled receptor 87; minus strand), MED12L (mediator complex subunit 12L; plus strand). Cytogenetic location: 3q25.1.
Variant type: single nucleotide variant.
Coding change: c.35-17C>T on transcript NM_023915.4 (MANE Select); 17 bases into the intron before coding-DNA position 35, C replaced by T.
Molecular consequence: intron variant.
Genome position (GRCh38, 1-based): chr3:151,295,228, G>A on the plus strand (C>T on the coding strand, the complement: GPR87 is on the minus strand). VCF-style: chr3-151295228-G-A. GRCh37 (hg19) VCF-style: chr3-151013016-G-A.
Other names: c.2251-54831G>A (NM_001393769.1); c.2146-54831G>A (NM_053002.6).
Identifiers: ClinVar variation 3770444 (VCV003770444.13).

ClinVar aggregate classification (germline): Benign (1 of 4 stars; one submission).

gnomAD v4.1: 15,227 of 1,567,816 alleles (0.97%); highest among the groups gnomAD compares: South Asian, 1.2%; 105 homozygotes.

Submission:

CeGaT Center for Human Genetics Tuebingen
Classification: Benign. Last evaluated: 2025-06-01. Review status: criteria provided, single submitter. Criteria: CeGaT Center For Human Genetics Tuebingen Variant Classification Criteria Version 2. Collection method: clinical testing. Allele origin: germline. Affected: yes. Observed: 3 variant alleles.
Comment: ENSG00000286273: BS1, BS2